The following is an entry in ClinVar:

ClinVar aggregate classification (germline): Benign/Likely benign. Review status: criteria provided, multiple submitters, no conflicts (2 of 4 stars). 7 submissions from 6 submitters: Benign (1); Likely benign (6). Last evaluated 2025-12-09.

Conditions:
Aortic valve disease 1 (AOVD1). Identifiers: MedGen C3887892, MONDO:0024523, OMIM 109730.
Adams-Oliver syndrome 5 (AOS5). Identifiers: Orphanet 974, MedGen C4014970, MONDO:0014459, OMIM 616028.

Allele frequency attached by ClinVar (database versions not stated): gnomAD exomes 0.00004; gnomAD 0.00008 and 0.00009; TOPMed 0.00009; ExAC 0.00034.
gnomAD v4.1: 74 of 1,497,318 alleles (0.0049%); highest among the groups gnomAD compares: Middle Eastern, 0.14%; 1 homozygote.

Submissions (7):

Labcorp Genetics (formerly Invitae), Labcorp
Classification: Likely benign for Adams-Oliver syndrome 5. Last evaluated: 2025-12-09. Review status: criteria provided, single submitter. Criteria: Invitae Variant Classification Sherloc (09022015). Collection method: clinical testing. Allele origin: germline.

Women's Health and Genetics/Laboratory Corporation of America, LabCorp
Classification: Benign. Last evaluated: 2024-01-02. Review status: criteria provided, single submitter. Criteria: LabCorp Variant Classification Summary - May 2015. Collection method: clinical testing. Allele origin: germline.
Comment: Variant summary: NOTCH1 c.5018+13C>T alters a conserved nucleotide located at a position not widely known to affect splicing. Consensus agreement among computation tools predict no significant impact on normal splicing. However, these predictions have yet to be confirmed by functional studies. The variant allele was found at a frequency of 4.9e-05 in 1497318 control chromosomes in the gnomAD database, including 1 homozygotes. The observed variant frequency is approximately 79.075 fold of the estimated maximal expected allele frequency for a pathogenic variant in NOTCH1 causing Adams-Oliver Syndrome 5 phenotype (6.3e-07), strongly suggesting that the variant is benign. To our knowledge, no occurrence of c.5018+13C>T in individuals affected with Adams-Oliver Syndrome 5 and no experimental evidence demonstrating its impact on protein function have been reported. Four submitters have cited clinical-significance assessments for this variant to ClinVar after 2014. All submitters classified the variant as benign/likely benign. Based on the evidence outlined above, the variant was classified as benign.

Genome-Nilou Lab
Classification: Likely benign for Adams-Oliver syndrome 5. Last evaluated: 2022-03-15. Review status: criteria provided, single submitter. Criteria: ACMG Guidelines, 2015. Collection method: clinical testing. Allele origin: germline. Affected: no.

Genome-Nilou Lab
Classification: Likely benign for Aortic valve disease 1. Last evaluated: 2022-03-15. Review status: criteria provided, single submitter. Criteria: ACMG Guidelines, 2015. Collection method: clinical testing. Allele origin: germline. Affected: no.

Fulgent Genetics
Classification: Likely benign for Aortic valve disease 1; Adams-Oliver syndrome 5. Last evaluated: 2021-09-30. Review status: criteria provided, single submitter. Criteria: ACMG Guidelines, 2015. Collection method: clinical testing. Allele origin: unknown.

GeneDx
Classification: Likely benign. Last evaluated: 2017-01-05. Review status: criteria provided, single submitter. Criteria: GeneDx Variant Classification (06012015). Collection method: clinical testing. Allele origin: germline. Affected: yes.
Comment: This variant is considered likely benign or benign based on one or more of the following criteria: it is a conservative change, it occurs at a poorly conserved position in the protein, it is predicted to be benign by multiple in silico algorithms, and/or has population frequency not consistent with disease.

Breakthrough Genomics
Classification: Likely benign. Review status: criteria provided, single submitter. Criteria: ACMG Guidelines, 2015. Collection method: not provided. Allele origin: germline. Inheritance: Autosomal dominant inheritance. Affected: yes.

Literature cited by the submitters: PubMed 24943832 (cited by Women's Health and Genetics/Laboratory Corporation of America, LabCorp); PubMed 16614245 (cited by Women's Health and Genetics/Laboratory Corporation of America, LabCorp); PubMed 21670202 (cited by Women's Health and Genetics/Laboratory Corporation of America, LabCorp); PubMed 22210878 (cited by Women's Health and Genetics/Laboratory Corporation of America, LabCorp); PubMed 19635999 (cited by Women's Health and Genetics/Laboratory Corporation of America, LabCorp); PubMed 26837699 (cited by Women's Health and Genetics/Laboratory Corporation of America, LabCorp); PubMed 23086750 (cited by Women's Health and Genetics/Laboratory Corporation of America, LabCorp); PubMed 19245433 (cited by Women's Health and Genetics/Laboratory Corporation of America, LabCorp); PubMed 22077063 (cited by Women's Health and Genetics/Laboratory Corporation of America, LabCorp); PubMed 15472075 (cited by Women's Health and Genetics/Laboratory Corporation of America, LabCorp); PubMed 23734977 (cited by Women's Health and Genetics/Laboratory Corporation of America, LabCorp); PubMed 22858860 (cited by Women's Health and Genetics/Laboratory Corporation of America, LabCorp).

NM_017617.5(NOTCH1):c.5018+13C>T

Gene: NOTCH1 (notch receptor 1; minus strand). Cytogenetic location: 9q34.3.
Variant type: single nucleotide variant.
Coding change: c.5018+13C>T on transcript NM_017617.5 (MANE Select); 13 bases into the intron after coding-DNA position 5018, C replaced by T.
Molecular consequence: intron variant.
Genome position (GRCh38, 1-based): chr9:136,504,660, G>A on the plus strand (C>T on the coding strand, the complement: NOTCH1 is on the minus strand). VCF-style: chr9-136504660-G-A. GRCh37 (hg19) VCF-style: chr9-139399112-G-A.
Other names: c.5018+13C>T (LRG_1122t1).
Identifiers: ClinVar variation 392691 (VCV000392691.12), dbSNP rs752508890, ClinGen allele CA5340480.